The following is an entry in ClinVar:

ClinVar aggregate classification (germline): Uncertain significance (1 of 4 stars; one submission).

Conditions:
Duchenne muscular dystrophy (DMD). Also called: MUSCULAR DYSTROPHY, PSEUDOHYPERTROPHIC PROGRESSIVE, DUCHENNE TYPE; Duchenne Muscular Dystrophy (DMD). Identifiers: Orphanet 98896, MedGen C0013264, MONDO:0010679, OMIM 310200.

Submission:

Labcorp Genetics (formerly Invitae), Labcorp
Classification: Uncertain significance for Duchenne muscular dystrophy. Last evaluated: 2022-09-22. Review status: criteria provided, single submitter. Criteria: Invitae Variant Classification Sherloc (09022015). Collection method: clinical testing. Allele origin: germline.
Comment: In summary, the available evidence is currently insufficient to determine the role of this variant in disease. Therefore, it has been classified as a Variant of Uncertain Significance. Algorithms developed to predict the effect of sequence changes on RNA splicing suggest that this variant may create or strengthen a splice site. This variant has not been reported in the literature in individuals affected with DMD-related conditions. This variant is not present in population databases (gnomAD no frequency). This sequence change affects codon 796 of the DMD mRNA. It is a 'silent' change, meaning that it does not change the encoded amino acid sequence of the DMD protein.

NM_004006.3(DMD):c.2388T>G (p.Val796=)

Gene: DMD (dystrophin; minus strand). Cytogenetic location: Xp21.1.
Variant type: single nucleotide variant.
Coding change: c.2388T>G on transcript NM_004006.3 (MANE Select); coding-DNA position 2388, T replaced by G.
Protein change: p.Val796=; no amino-acid change (valine 796 retained).
Molecular consequence: synonymous variant.
Genome position (GRCh38, 1-based): chrX:32,491,511, A>C on the plus strand (T>G on the coding strand, the complement: DMD is on the minus strand). VCF-style: chrX-32491511-A-C. GRCh37 (hg19) VCF-style: chrX-32509628-A-C.
Other names: c.2364T>G, p.Val788= (NM_000109.4); c.2376T>G, p.Val792= (NM_004009.3); c.2019T>G, p.Val673= (NM_004010.3).
Identifiers: ClinVar variation 2031886 (VCV002031886.4), dbSNP rs2525056803, ClinGen allele CA515720084.